The following is an entry in ClinVar:

NM_000243.3(MEFV):c.585G>A (p.Glu195=)

Gene: MEFV (MEFV innate immunity regulator, pyrin; minus strand). Cytogenetic location: 16p13.3.
Variant type: single nucleotide variant.
Coding change: c.585G>A on transcript NM_000243.3 (MANE Select); coding-DNA position 585, G replaced by A.
Protein change: p.Glu195=; no amino-acid change (glutamic acid 195 retained).
Molecular consequence: synonymous variant. On other transcripts: intron variant (1).
Genome position (GRCh38, 1-based): chr16:3,254,483, C>T on the plus strand (G>A on the coding strand, the complement: MEFV is on the minus strand). VCF-style: chr16-3254483-C-T. GRCh37 (hg19) VCF-style: chr16-3304483-C-T.
Other names: p.Glu195=; c.277+1828G>A (NM_001198536.2).
Identifiers: ClinVar variation 282968 (VCV000282968.37), dbSNP rs200766991, ClinGen allele CA7860389.

ClinVar aggregate classification (germline): Conflicting classifications of pathogenicity. Review status: criteria provided, conflicting classifications (1 of 4 stars). 11 submissions from 11 submitters: Uncertain significance (1); Benign (5); Likely benign (4). 1 of the submissions does not count toward it. Last evaluated 2026-02-01.

Conditions:
Autoinflammatory syndrome. Identifiers: Orphanet 93665, MedGen C3890737, MONDO:0019751.
Inborn genetic diseases. Identifiers: MedGen C0950123, MeSH D030342.
Familial Mediterranean fever (FMF). Also called: Periodic peritonitis; Benign paroxysmal peritonitis; POLYSEROSITIS, FAMILIAL PAROXYSMAL; POLYSEROSITIS, RECURRENT. Identifiers: Orphanet 342, MedGen C0031069, MONDO:0018088, OMIM 249100. Disease mechanism: gain of function.

Allele frequency attached by ClinVar (database versions not stated): TOPMed 0.00479; 1000 Genomes Project 0.00659; 1000 Genomes Project 30x 0.00765.
gnomAD v4.1: 1,414 of 1,588,828 alleles (0.089%); highest among the groups gnomAD compares: African/African-American, 1.6%; 6 homozygotes.

Submissions (11):

Labcorp Genetics (formerly Invitae), Labcorp
Classification: Benign for Familial Mediterranean fever. Last evaluated: 2026-02-01. Review status: criteria provided, single submitter. Criteria: Invitae Variant Classification Sherloc (09022015). Collection method: clinical testing. Allele origin: germline.

Blueprint Genetics
Classification: Likely benign. Last evaluated: 2024-10-31. Review status: criteria provided, single submitter. Criteria: ACMG Guidelines, 2015. Collection method: clinical testing. Allele origin: germline.

ARUP Laboratories, Molecular Genetics and Genomics, ARUP Laboratories
Classification: Benign. Last evaluated: 2024-05-09. Review status: criteria provided, single submitter. Criteria: ARUP Molecular Germline Variant Investigation Process 2024. Collection method: clinical testing. Allele origin: germline.

Mayo Clinic Laboratories, Mayo Clinic
Classification: Benign. Last evaluated: 2024-01-09. Review status: criteria provided, single submitter. Criteria: ACMG Guidelines, 2015. Collection method: clinical testing. Allele origin: germline. Observed: 8 variant alleles.
Comment: BS1, BS2, BP4, BP7

Ambry Genetics
Classification: Likely benign for Inborn genetic diseases. Last evaluated: 2022-05-11. Review status: criteria provided, single submitter. Criteria: Ambry Variant Classification Scheme 2023. Collection method: clinical testing. Allele origin: germline.

Women's Health and Genetics/Laboratory Corporation of America, LabCorp
Classification: Likely benign. Last evaluated: 2019-08-28. Review status: criteria provided, single submitter. Criteria: LabCorp Variant Classification Summary - May 2015. Collection method: clinical testing. Allele origin: germline.

Genome Diagnostics Laboratory, The Hospital for Sick Children
Classification: Likely benign for Autoinflammatory syndrome. Last evaluated: 2018-11-01. Review status: criteria provided, single submitter. Criteria: ACMG Guidelines, 2015. Collection method: clinical testing. Allele origin: germline. Affected: yes.

Illumina Laboratory Services, Illumina
Classification: Uncertain significance for Familial Mediterranean fever. Last evaluated: 2018-01-12. Review status: criteria provided, single submitter. Criteria: ICSL Variant Classification Criteria 13 December 2019. Collection method: clinical testing. Allele origin: germline.

Eurofins Ntd Llc (ga)
Classification: Benign. Last evaluated: 2015-09-04. Review status: criteria provided, single submitter. Criteria: EGL Classification Definitions 2015. Collection method: clinical testing. Allele origin: germline. Observed: 1 variant allele, 1 heterozygote.

GeneDx
Classification: Benign. Last evaluated: 2015-03-03. Review status: criteria provided, single submitter. Criteria: GeneDx Variant Classification Process June 2021. Collection method: clinical testing. Allele origin: germline. Affected: yes.

Natera, Inc.
Classification: Likely benign for Familial Mediterranean fever. Last evaluated: 2020-10-09. Review status: no assertion criteria provided. Collection method: clinical testing. Allele origin: germline. Not counted in ClinVar's aggregate classification.